The following is an entry in ClinVar:

ClinVar aggregate classification (germline): Uncertain significance. Review status: criteria provided, multiple submitters, no conflicts (2 of 4 stars). 7 submissions from 7 submitters: Uncertain significance (6). 1 of the submissions does not count toward it. Last evaluated 2026-01-26.

Conditions:
Hereditary cancer-predisposing syndrome. Also called: Tumor predisposition; Hereditary neoplastic syndrome; Hereditary Cancer Syndrome; Neoplastic Syndromes, Hereditary. Identifiers: Orphanet 140162, MedGen C0027672, MeSH D009386, MONDO:0015356.
Bloom syndrome (BLM). Also called: Bloom-Torre-Machacek syndrome. Identifiers: Orphanet 125, MedGen C0005859, MONDO:0008876, OMIM 210900.

gnomAD v4.1: 2 of 1,614,092 alleles (0.00012%); highest among the groups gnomAD compares: Admixed American, 0.0017%; no homozygotes.

Submissions (7):

Labcorp Genetics (formerly Invitae), Labcorp
Classification: Uncertain significance for Bloom syndrome. Last evaluated: 2026-01-26. Review status: criteria provided, single submitter. Criteria: Invitae Variant Classification Sherloc (09022015). Collection method: clinical testing. Allele origin: germline.
Comment: This sequence change replaces valine, which is neutral and non-polar, with isoleucine, which is neutral and non-polar, at codon 1259 of the BLM protein (p.Val1259Ile). This variant is not present in population databases (gnomAD no frequency). This variant has not been reported in the literature in individuals affected with BLM-related conditions. ClinVar contains an entry for this variant (Variation ID: 964146). Invitae Evidence Modeling of protein sequence and biophysical properties (such as structural, functional, and spatial information, amino acid conservation, physicochemical variation, residue mobility, and thermodynamic stability) indicates that this missense variant is not expected to disrupt BLM protein function with a negative predictive value of 80%. In summary, the available evidence is currently insufficient to determine the role of this variant in disease. Therefore, it has been classified as a Variant of Uncertain Significance.

St. Jude Molecular Pathology, St. Jude Children's Research Hospital
Classification: Uncertain significance for Bloom syndrome. Last evaluated: 2024-09-16. Review status: criteria provided, single submitter. Criteria: St. Jude Assertion Criteria 2020. Collection method: clinical testing. Allele origin: germline.
Comment: The BLM c.3775G>A (p.Val1259Ile) missense change is absent in gnomAD v2.1.1. The in silico REVEL predicts a benign effect on protein function, but to our knowledge this prediction has not been confirmed by functional studies. To our knowledge, this variant has not been reported in individuals with Bloom syndrome. In summary, the evidence currently available is insufficient to determine the clinical significance of this variant. It has therefore been classified as of uncertain significance.

GeneDx
Classification: Uncertain significance. Last evaluated: 2024-09-11. Review status: criteria provided, single submitter. Criteria: GeneDx Variant Classification Process June 2021. Collection method: clinical testing. Allele origin: germline. Affected: yes.
Comment: Not observed at significant frequency in large population cohorts (gnomAD); In silico analysis indicates that this missense variant does not alter protein structure/function; Has not been previously published as pathogenic or benign to our knowledge

Ambry Genetics
Classification: Uncertain significance for Hereditary cancer-predisposing syndrome. Last evaluated: 2024-06-25. Review status: criteria provided, single submitter. Criteria: Ambry Variant Classification Scheme 2023. Collection method: clinical testing. Allele origin: germline.
Comment: The p.V1259I variant (also known as c.3775G>A), located in coding exon 19 of the BLM gene, results from a G to A substitution at nucleotide position 3775. The valine at codon 1259 is replaced by isoleucine, an amino acid with highly similar properties. This amino acid position is conserved. In addition, this alteration is predicted to be tolerated by in silico analysis. Based on the available evidence, the clinical significance of this variant remains unclear.

Fulgent Genetics
Classification: Uncertain significance for Bloom syndrome. Last evaluated: 2024-05-15. Review status: criteria provided, single submitter. Criteria: ACMG Guidelines, 2015. Collection method: clinical testing. Allele origin: germline.

Baylor Genetics
Classification: Uncertain significance for Bloom syndrome. Last evaluated: 2019-08-28. Review status: criteria provided, single submitter. Criteria: ACMG Guidelines, 2015. Collection method: clinical testing. Allele origin: unknown. Affected: yes. Study: CSER-TexasKidsCanSeq.
Comment: This variant was determined to be of uncertain significance according to ACMG Guidelines, 2015 [PMID:25741868].

Natera, Inc.
Classification: Uncertain significance for Bloom syndrome. Last evaluated: 2021-03-01. Review status: no assertion criteria provided. Collection method: clinical testing. Allele origin: germline. Not counted in ClinVar's aggregate classification.

NM_000057.4(BLM):c.3775G>A (p.Val1259Ile)

Gene: BLM (BLM RecQ like helicase; plus strand). Cytogenetic location: 15q26.1.
Variant type: single nucleotide variant.
Coding change: c.3775G>A on transcript NM_000057.4 (MANE Select); coding-DNA position 3775, G replaced by A.
Protein change: p.Val1259Ile; replaces valine 1259 with isoleucine.
Molecular consequence: missense variant.
Genome position (GRCh38, 1-based): chr15:90,809,160, G>A. VCF-style: chr15-90809160-G-A. GRCh37 (hg19) VCF-style: chr15-91352390-G-A.
Other names: c.3775G>A, p.Val1259Ile (NM_001287246.2); c.3382G>A, p.Val1128Ile (NM_001287247.2); c.2650G>A, p.Val884Ile (NM_001287248.2); c.3775G>A (NM_000057.2); short protein forms V1128I, V1259I, V884I.
Identifiers: ClinVar variation 964146 (VCV000964146.15), dbSNP rs1897348236, ClinGen allele CA393849629.